The following is an entry in ClinVar:

ClinVar aggregate classification (germline): Uncertain significance (1 of 4 stars; one submission).

Submission:

GeneDx
Classification: Uncertain significance. Last evaluated: 2019-04-23. Review status: criteria provided, single submitter. Criteria: GeneDx Variant Classification Process June 2021. Collection method: clinical testing. Allele origin: germline. Affected: yes.
Comment: Not observed in large population cohorts (Lek et al., 2016); In silico analysis, which includes protein predictors and evolutionary conservation, supports that this variant does not alter protein structure/function; Has not been previously published as pathogenic or benign to our knowledge

NM_138927.4(SON):c.3751C>G (p.Pro1251Ala)

Gene: SON (SON DNA and RNA binding protein; plus strand). Cytogenetic location: 21q22.11.
Variant type: single nucleotide variant.
Coding change: c.3751C>G on transcript NM_138927.4 (MANE Select); coding-DNA position 3751, C replaced by G.
Protein change: p.Pro1251Ala; replaces proline 1251 with alanine.
Molecular consequence: missense variant. On other transcripts: non-coding transcript variant (1), intron variant (1).
Genome position (GRCh38, 1-based): chr21:33,552,982, C>G. VCF-style: chr21-33552982-C-G. GRCh37 (hg19) VCF-style: chr21-34925288-C-G.
Other names: c.3751C>G, p.Pro1251Ala (NM_001291411.2, NM_032195.3); c.245-4174C>G (NM_001291412.3); short protein forms P1251A.
Identifiers: ClinVar variation 1305384 (VCV001305384.2), dbSNP rs1569056010, ClinGen allele CA410160842.
Genomic context (GRCh38, chr21:33,552,982, plus strand): 5'-TCAGTGTCAGCATCAGATCCCTCAGTTTTAGTATCAGAGGCTGCTGTGACTGTTCCAGAA[C>G]CACCACCAGAGCCAGAATCTTCAATTACGTTAACACCTGTAGAGTCTGCAGTAGTAGCAG-3'
Protein context (NP_620305.3, residues 1241-1261): VSEAAVTVPE[Pro1251Ala]PPEPESSITL